The following is an entry in ClinVar:

NM_007294.4(BRCA1):c.2857dup (p.Cys953fs)

Gene: BRCA1 (BRCA1 DNA repair associated; minus strand). Cytogenetic location: 17q21.31.
Variant type: Duplication.
Coding change: c.2857dup on transcript NM_007294.4 (MANE Select); coding-DNA position 2857, one base duplicated (T; older notation c.2857dupT).
Protein change: p.Cys953fs; shifts the reading frame from cysteine 953.
Molecular consequence: frameshift variant. On other transcripts: intron variant (137).
Genome position (GRCh38, 1-based): chr17:43,092,674, A duplicated on the plus strand (T on the coding strand, the reverse complement: BRCA1 is on the minus strand); the first of 4 consecutive A bases (chr17:43,092,674-43,092,677); duplicating any one gives the same sequence. VCF-style (leftmost placement, unchanged base first): chr17-43092673-C-CA. GRCh37 (hg19) VCF-style: chr17-41244690-C-CA.
Other names: c.2647dup, p.Cys883fs (NM_001407900.1, NM_001407902.1, NM_001407904.1 and 13 more transcripts); c.2644dup, p.Cys882fs (NM_001407916.1, NM_001407917.1, NM_001407918.1 and 9 more transcripts); c.2734dup, p.Cys912fs (NM_001407919.1, NM_001407937.1, NM_001407938.1 and 19 more transcripts); c.2593dup, p.Cys865fs (NM_001407920.1, NM_001407921.1, NM_001407922.1 and 9 more transcripts); c.2590dup, p.Cys864fs (NM_001407934.1, NM_001407936.1, NM_001407930.1 and 2 more transcripts); c.2731dup, p.Cys911fs (NM_001407940.1, NM_001407941.1, NM_001407649.1 and 11 more transcripts); c.2716dup, p.Cys906fs (NM_001407942.1, NM_001407944.1, NM_001407945.1 and 29 more transcripts); c.2713dup, p.Cys905fs (NM_001407943.1, NM_001407964.1, NM_001407740.1 and 20 more transcripts); and 41 more; short protein forms C842fs, C865fs, C952fs, C953fs, C785fs, C883fs, C905fs, C911fs.
Identifiers: ClinVar variation 3656797 (VCV003656797.3).

ClinVar aggregate classification (germline): Pathogenic. Review status: criteria provided, multiple submitters, no conflicts (2 of 4 stars). 2 submissions from 2 submitters: Pathogenic (2). Last evaluated 2025-05-06.

Conditions:
Breast-ovarian cancer, familial, susceptibility to, 1 (BROVCA1). Also called: BRCA1 Hereditary Breast and Ovarian Cancer; OVARIAN CANCER, SUSCEPTIBILITY TO. Identifiers: Orphanet 145, MedGen C2676676, MONDO:0011450, OMIM 604370. Disease mechanism: loss of function.
Hereditary breast ovarian cancer syndrome. Also called: Hereditary breast and ovarian cancer syndrome (HBOC); Breast and ovarian cancer; Hereditary breast and/or ovarian cancer syndrome; Hereditary breast and ovarian cancer syndrome; BRCA1- and BRCA2-Associated Hereditary Breast and Ovarian Cancer; Hereditary breast and ovarian cancer. Identifiers: Orphanet 145, MedGen C0677776, MeSH D061325, MONDO:0003582. Disease mechanism: loss of function.

Submissions (2):

Myriad Genetics, Inc.
Classification: Pathogenic for Breast-ovarian cancer, familial, susceptibility to, 1. Last evaluated: 2025-05-06. Review status: criteria provided, single submitter. Criteria: Myriad Autosomal Dominant, Autosomal Recessive and X-Linked Classification Criteria (2023). Collection method: clinical testing. Allele origin: unknown.
Comment: This variant is considered pathogenic. This variant creates a frameshift predicted to result in premature protein truncation.

Labcorp Genetics (formerly Invitae), Labcorp
Classification: Pathogenic for Hereditary breast ovarian cancer syndrome. Last evaluated: 2024-06-17. Review status: criteria provided, single submitter. Criteria: Invitae Variant Classification Sherloc (09022015). Collection method: clinical testing. Allele origin: germline.
Comment: This sequence change creates a premature translational stop signal (p.Cys953Leufs*18) in the BRCA1 gene. It is expected to result in an absent or disrupted protein product. Loss-of-function variants in BRCA1 are known to be pathogenic (PMID: 20104584). This variant is not present in population databases (gnomAD no frequency). This variant has not been reported in the literature in individuals affected with BRCA1-related conditions. For these reasons, this variant has been classified as Pathogenic.

Literature cited by the submitters: PubMed 20104584 (cited by Labcorp Genetics (formerly Invitae), Labcorp).